The following is an entry in ClinVar:

NM_004370.6(COL12A1):c.3517G>C (p.Glu1173Gln)

Gene: COL12A1 (collagen type XII alpha 1 chain; minus strand). Cytogenetic location: 6q13.
Variant type: single nucleotide variant.
Coding change: c.3517G>C on transcript NM_004370.6 (MANE Select); coding-DNA position 3517, G replaced by C.
Protein change: p.Glu1173Gln; replaces glutamic acid 1173 with glutamine.
Molecular consequence: missense variant. On other transcripts: intron variant (1).
Genome position (GRCh38, 1-based): chr6:75,154,464, C>G on the plus strand (G>C on the coding strand, the complement: COL12A1 is on the minus strand). VCF-style: chr6-75154464-C-G. GRCh37 (hg19) VCF-style: chr6-75864180-C-G.
Other names: c.74-1982G>C (NM_080645.3); short protein forms E1173Q.
Identifiers: ClinVar variation 961656 (VCV000961656.13), dbSNP rs1767653671, ClinGen allele CA364751236.

ClinVar aggregate classification (germline): Uncertain significance. Review status: criteria provided, multiple submitters, no conflicts (2 of 4 stars). 3 submissions from 3 submitters: Uncertain significance (3). Last evaluated 2024-03-18.

Conditions:
Ullrich congenital muscular dystrophy 2 (UCMD2). Identifiers: Orphanet 75840, MedGen C4225314, MONDO:0014654, OMIM 616470.
Bethlem myopathy 2 (BTHLM2). Identifiers: Orphanet 536516, Orphanet 610, MedGen C4225313, MONDO:0034022, OMIM 616471.

Allele frequency attached by ClinVar (database versions not stated): TOPMed below 0.00001; gnomAD exomes 0.00001.

Submissions (3):

Labcorp Genetics (formerly Invitae), Labcorp
Classification: Uncertain significance for Bethlem myopathy 2; Ullrich congenital muscular dystrophy 2. Last evaluated: 2024-03-18. Review status: criteria provided, single submitter. Criteria: Invitae Variant Classification Sherloc (09022015). Collection method: clinical testing. Allele origin: germline.
Comment: This sequence change replaces glutamic acid, which is acidic and polar, with glutamine, which is neutral and polar, at codon 1173 of the COL12A1 protein (p.Glu1173Gln). This variant is not present in population databases (gnomAD no frequency). This variant has not been reported in the literature in individuals affected with COL12A1-related conditions. ClinVar contains an entry for this variant (Variation ID: 961656). Advanced modeling of protein sequence and biophysical properties (such as structural, functional, and spatial information, amino acid conservation, physicochemical variation, residue mobility, and thermodynamic stability) has been performed at Invitae for this missense variant, however the output from this modeling did not meet the statistical confidence thresholds required to predict the impact of this variant on COL12A1 protein function. In summary, the available evidence is currently insufficient to determine the role of this variant in disease. Therefore, it has been classified as a Variant of Uncertain Significance.

Revvity Omics, Revvity
Classification: Uncertain significance. Last evaluated: 2023-06-27. Review status: criteria provided, single submitter. Criteria: ACMG Guidelines, 2015. Collection method: clinical testing. Allele origin: germline.

GeneDx
Classification: Uncertain significance. Last evaluated: 2020-09-18. Review status: criteria provided, single submitter. Criteria: GeneDx Variant Classification Process June 2021. Collection method: clinical testing. Allele origin: germline. Affected: yes.
Comment: Has not been previously published as pathogenic or benign to our knowledge; Not observed in large population cohorts (Lek et al., 2016); In silico analysis supports that this missense variant does not alter protein structure/function; Reported in ClinVar as a variant of uncertain significance (ClinVar Variant ID# 961656; Landrum et al., 2016)